The following is an entry in ClinVar:

NM_032242.4(PLXNA1):c.4723A>T (p.Thr1575Ser)

Gene: PLXNA1 (plexin A1; plus strand). Cytogenetic location: 3q21.3.
Variant type: single nucleotide variant.
Coding change: c.4723A>T on transcript NM_032242.4 (MANE Select); coding-DNA position 4723, A replaced by T.
Protein change: p.Thr1575Ser; replaces threonine 1575 with serine.
Molecular consequence: missense variant.
Genome position (GRCh38, 1-based): chr3:127,029,046, A>T. VCF-style: chr3-127029046-A-T. GRCh37 (hg19) VCF-style: chr3-126747889-A-T.
Other names: short protein forms T1575S.
Identifiers: ClinVar variation 4686792 (VCV004686792.1).
Genomic context (GRCh38, chr3:127,029,046, plus strand): 5'-CCCCCAGAGTGGCGCCAGGGCCGCATGGCGCGCATCATCCTGCAGGACGAGGACGTCACC[A>T]CCAAGATTGACAACGATTGGAAGAGGCTGAACACACTGGCTCACTACCAGGTGGCTCCCG-3'
Protein context (NP_115618.3, residues 1565-1585): RIILQDEDVT[Thr1575Ser]KIDNDWKRLN

ClinVar aggregate classification (germline): Uncertain significance (1 of 4 stars; one submission).

Submission:

GeneDx
Classification: Uncertain significance. Last evaluated: 2025-01-14. Review status: criteria provided, single submitter. Criteria: GeneDx Variant Classification Process June 2021. Collection method: clinical testing. Allele origin: germline. Affected: yes.
Comment: Not observed at significant frequency in large population cohorts (gnomAD); In silico analysis supports that this missense variant has a deleterious effect on protein structure/function; Has not been previously published as pathogenic or benign to our knowledge; Variants in candidate genes are classified as variants of uncertain significance in accordance with ACMG guidelines (PMID: 25741868)